The following is an entry in ClinVar:

ClinVar aggregate classification (germline): Likely benign (1 of 4 stars; one submission).

gnomAD v4.1: 14 of 1,614,116 alleles (0.00087%); highest among the groups gnomAD compares: Non-Finnish European, 0.0012%; no homozygotes.

Submission:

CeGaT Center for Human Genetics Tuebingen
Classification: Likely benign. Last evaluated: 2023-12-01. Review status: criteria provided, single submitter. Criteria: CeGaT Center For Human Genetics Tuebingen Variant Classification Criteria Version 2. Collection method: clinical testing. Allele origin: germline. Affected: yes. Observed: 1 variant allele.
Comment: AGO2: BP4, BP7

NM_012154.5(AGO2):c.1119C>A (p.Pro373=)

Gene: AGO2 (argonaute RISC catalytic component 2; minus strand). Cytogenetic location: 8q24.3.
Variant type: single nucleotide variant.
Coding change: c.1119C>A on transcript NM_012154.5 (MANE Select); coding-DNA position 1119, C replaced by A.
Protein change: p.Pro373=; no amino-acid change (proline 373 retained).
Molecular consequence: synonymous variant.
Genome position (GRCh38, 1-based): chr8:140,556,194, G>T on the plus strand (C>A on the coding strand, the complement: AGO2 is on the minus strand). VCF-style: chr8-140556194-G-T. GRCh37 (hg19) VCF-style: chr8-141566293-G-T.
Other names: c.1119C>A, p.Pro373= (NM_001164623.3).
Identifiers: ClinVar variation 3025790 (VCV003025790.22), dbSNP rs61758136, ClinGen allele CA186539516.